The following is an entry in ClinVar:

ClinVar aggregate classification (germline): Uncertain significance (1 of 4 stars; one submission).

Allele frequency attached by ClinVar (database versions not stated): gnomAD exomes below 0.00001; gnomAD 0.00001.
gnomAD v4.1: 1 of 1,611,464 alleles (0.000062%); highest among the groups gnomAD compares: Admixed American, 0.0017%; no homozygotes.

Submission:

Labcorp Genetics (formerly Invitae), Labcorp
Classification: Uncertain significance. Last evaluated: 2024-11-05. Review status: criteria provided, single submitter. Criteria: Invitae Variant Classification Sherloc (09022015). Collection method: clinical testing. Allele origin: germline.
Comment: This sequence change replaces glutamine, which is neutral and polar, with glutamic acid, which is acidic and polar, at codon 723 of the NEDD4L protein (p.Gln723Glu). This variant is present in population databases (no rsID available, gnomAD 0.1%). This variant has not been reported in the literature in individuals affected with NEDD4L-related conditions. ClinVar contains an entry for this variant (Variation ID: 1423401). Invitae Evidence Modeling of protein sequence and biophysical properties (such as structural, functional, and spatial information, amino acid conservation, physicochemical variation, residue mobility, and thermodynamic stability) indicates that this missense variant is not expected to disrupt NEDD4L protein function with a negative predictive value of 80%. In summary, the available evidence is currently insufficient to determine the role of this variant in disease. Therefore, it has been classified as a Variant of Uncertain Significance.

NM_001144967.3(NEDD4L):c.2227C>G (p.Gln743Glu)

Gene: NEDD4L (NEDD4 like E3 ubiquitin protein ligase; plus strand). Cytogenetic location: 18q21.31.
Variant type: single nucleotide variant.
Coding change: c.2227C>G on transcript NM_001144967.3 (MANE Select); coding-DNA position 2227, C replaced by G.
Protein change: p.Gln743Glu; replaces glutamine 743 with glutamic acid.
Molecular consequence: missense variant.
Genome position (GRCh38, 1-based): chr18:58,370,438, C>G. VCF-style: chr18-58370438-C-G. GRCh37 (hg19) VCF-style: chr18-56037670-C-G.
Other names: c.1864C>G, p.Gln622Glu (NM_001144964.1, NM_001144965.2, NM_001144966.3); c.2203C>G, p.Gln735Glu (NM_001144968.2); c.2143C>G, p.Gln715Glu (NM_001144969.2); c.1804C>G, p.Gln602Glu (NM_001144970.3, NM_001144971.2); c.2035C>G, p.Gln679Glu (NM_001243960.2); c.2167C>G, p.Gln723Glu (NM_015277.6); short protein forms Q602E, Q715E, Q743E, Q679E, Q735E, Q723E, Q622E.
Identifiers: ClinVar variation 1423401 (VCV001423401.8), dbSNP rs1235631582, ClinGen allele CA402551185.